The following is an entry in ClinVar:

NM_003091.4(SNRPB):c.*156C>T

Gene: SNRPB (small nuclear ribonucleoprotein polypeptides B and B1; minus strand). Cytogenetic location: 20p13.
Variant type: single nucleotide variant.
Coding change: c.*156C>T on transcript NM_003091.4 (MANE Select); 156 bases downstream of the stop codon, C replaced by T.
Molecular consequence: 3 prime UTR variant. On other transcripts: missense variant (1).
Genome position (GRCh38, 1-based): chr20:2,461,773, G>A on the plus strand (C>T on the coding strand, the complement: SNRPB is on the minus strand). VCF-style: chr20-2461773-G-A. GRCh37 (hg19) VCF-style: chr20-2442419-G-A.
Other names: c.706C>T, p.Arg236Cys (NM_198216.2); short protein forms R236C.
Identifiers: ClinVar variation 1525765 (VCV001525765.8), dbSNP rs1393789875, ClinGen allele CA408011861.

ClinVar aggregate classification (germline): Uncertain significance (1 of 4 stars; one submission).

Allele frequency attached by ClinVar (database versions not stated): gnomAD exomes below 0.00001; TOPMed below 0.00001; gnomAD 0.00003.
gnomAD v4.1: 10 of 1,609,228 alleles (0.00062%); highest among the groups gnomAD compares: African/African-American, 0.004%; no homozygotes.

Submission:

Labcorp Genetics (formerly Invitae), Labcorp
Classification: Uncertain significance. Last evaluated: 2025-03-31. Review status: criteria provided, single submitter. Criteria: Invitae Variant Classification Sherloc (09022015). Collection method: clinical testing. Allele origin: germline.
Comment: This sequence change replaces arginine, which is basic and polar, with cysteine, which is neutral and slightly polar, at codon 236 of the SNRPB protein (p.Arg236Cys). The frequency data for this variant in the population databases is considered unreliable, as metrics indicate poor data quality at this position in the gnomAD database. This variant has not been reported in the literature in individuals affected with SNRPB-related conditions. ClinVar contains an entry for this variant (Variation ID: 1525765). An algorithm developed to predict the effect of missense changes on protein structure and function outputs the following: PolyPhen-2: "Not Available". The cysteine amino acid residue is found in multiple mammalian species, which suggests that this missense change does not adversely affect protein function. In summary, the available evidence is currently insufficient to determine the role of this variant in disease. Therefore, it has been classified as a Variant of Uncertain Significance.